The following is an entry in ClinVar:

NM_152564.5(VPS13B):c.7645T>C (p.Phe2549Leu)

Gene: VPS13B (vacuolar protein sorting 13 homolog B; plus strand). Cytogenetic location: 8q22.2.
Variant type: single nucleotide variant.
Coding change: c.7645T>C on transcript NM_152564.5 (MANE Select); coding-DNA position 7645, T replaced by C.
Protein change: p.Phe2549Leu; replaces phenylalanine 2549 with leucine.
Molecular consequence: missense variant.
Genome position (GRCh38, 1-based): chr8:99,778,897, T>C. VCF-style: chr8-99778897-T-C. GRCh37 (hg19) VCF-style: chr8-100791125-T-C.
Other names: c.7720T>C (NM_017890.3); c.7645T>C (NM_152564.4); c.7720T>C, p.Phe2574Leu (NM_017890.5); short protein forms F2574L, F2549L.
Identifiers: ClinVar variation 1359768 (VCV001359768.7), dbSNP rs377498258, ClinGen allele CA4824257.
Genomic context (GRCh38, chr8:99,778,897, plus strand): 5'-TGTAAACTTCTAGAGTGCAGAAATGTCACTATGCAAAGTGTGGTGAAACCCTTCAGCATC[T>C]TCGGGCAGATGGCAGTTTCCAGCGATGTAGTGGAAAAGCTGCTTGACTGCACCGTGATAG-3'
Protein context (NP_689777.3, residues 2539-2559): MQSVVKPFSI[Phe2549Leu]GQMAVSSDVV

ClinVar aggregate classification (germline): Uncertain significance. Review status: criteria provided, multiple submitters, no conflicts (2 of 4 stars). 3 submissions from 3 submitters: Uncertain significance (2). 1 of the submissions does not count toward it. Last evaluated 2025-04-12.

Conditions:
Inborn genetic diseases. Identifiers: MedGen C0950123, MeSH D030342.
Cohen syndrome (COH1). Also called: PEPPER SYNDROME; Cutis verticis gyrata, retinitis pigmentosa, and sensorineural deafness. Identifiers: Orphanet 193, MedGen C0265223, MONDO:0008999, OMIM 216550.
VPS13B-related disorder. Also called: VPS13B-related condition.

Allele frequency attached by ClinVar (database versions not stated): ExAC 0.00001; gnomAD exomes 0.00001; TOPMed 0.00001; gnomAD 0.00002 and 0.00003; ESP Exome Variant Server 0.00008.
gnomAD v4.1: 12 of 1,613,920 alleles (0.00074%); highest among the groups gnomAD compares: African/African-American, 0.0053%; no homozygotes.

Submissions (3):

Ambry Genetics
Classification: Uncertain significance for Inborn genetic diseases. Last evaluated: 2025-04-12. Review status: criteria provided, single submitter. Criteria: Ambry Variant Classification Scheme 2023. Collection method: clinical testing. Allele origin: germline.

Labcorp Genetics (formerly Invitae), Labcorp
Classification: Uncertain significance for Cohen syndrome. Last evaluated: 2024-02-17. Review status: criteria provided, single submitter. Criteria: Invitae Variant Classification Sherloc (09022015). Collection method: clinical testing. Allele origin: germline.
Comment: This sequence change replaces phenylalanine with leucine at codon 2574 of the VPS13B protein (p.Phe2574Leu). The phenylalanine residue is weakly conserved and there is a small physicochemical difference between phenylalanine and leucine. This variant is present in population databases (rs377498258, gnomAD 0.01%). This variant has not been reported in the literature in individuals affected with VPS13B-related conditions. ClinVar contains an entry for this variant (Variation ID: 1359768). Advanced modeling of protein sequence and biophysical properties (such as structural, functional, and spatial information, amino acid conservation, physicochemical variation, residue mobility, and thermodynamic stability) performed at Invitae indicates that this missense variant is not expected to disrupt VPS13B protein function with a negative predictive value of 80%. In summary, the available evidence is currently insufficient to determine the role of this variant in disease. Therefore, it has been classified as a Variant of Uncertain Significance.

PreventionGenetics, part of Exact Sciences
Classification: Uncertain significance for VPS13B-related condition. Last evaluated: 2024-07-31. Review status: no assertion criteria provided. Collection method: clinical testing. Allele origin: germline. Not counted in ClinVar's aggregate classification.
Comment: The VPS13B c.7645T>C variant is predicted to result in the amino acid substitution p.Phe2549Leu. To our knowledge, this variant has not been reported in the literature. This variant is reported in 0.0080% of alleles in individuals of African descent in gnomAD. At this time, the clinical significance of this variant is uncertain due to the absence of conclusive functional and genetic evidence.